The following is an entry in ClinVar:

ClinVar aggregate classification (germline): Likely benign. Review status: criteria provided, multiple submitters, no conflicts (2 of 4 stars). 3 submissions from 3 submitters: Likely benign (3). Last evaluated 2026-01-25.

Conditions:
RUNX2-related disorder. Also called: RUNX2-related condition.

Allele frequency attached by ClinVar (database versions not stated): gnomAD 0.00003; gnomAD exomes 0.00003; ExAC 0.00013; 1000 Genomes Project 0.00060.

Submissions (3):

PreventionGenetics, part of Exact Sciences
Classification: Likely benign for RUNX2-related condition. Last evaluated: 2026-01-25. Review status: criteria provided, single submitter. Criteria: ACMG Guidelines, 2015. Collection method: clinical testing. Allele origin: germline.
Comment: This variant is classified as likely benign based on ACMG/AMP sequence variant interpretation guidelines (Richards et al. 2015 PMID: 25741868, with internal and published modifications).

Labcorp Genetics (formerly Invitae), Labcorp
Classification: Likely benign. Last evaluated: 2024-08-12. Review status: criteria provided, single submitter. Criteria: Invitae Variant Classification Sherloc (09022015). Collection method: clinical testing. Allele origin: germline.

ARUP Laboratories, Molecular Genetics and Genomics, ARUP Laboratories
Classification: Likely benign. Last evaluated: 2024-02-07. Review status: criteria provided, single submitter. Criteria: ARUP Molecular Germline Variant Investigation Process 2024. Collection method: clinical testing. Allele origin: germline.

NM_001024630.4(RUNX2):c.159A>G (p.Gln53=)

Genes: RUNX2 (RUNX family transcription factor 2; plus strand), LOC109611589 (runt related transcription factor 2 polyalanine expansion region; plus strand). Cytogenetic location: 6p21.1.
Variant type: single nucleotide variant.
Coding change: c.159A>G on transcript NM_001024630.4 (MANE Select); coding-DNA position 159, A replaced by G.
Protein change: p.Gln53=; no amino-acid change (glutamine 53 retained).
Molecular consequence: synonymous variant.
Genome position (GRCh38, 1-based): chr6:45,422,693, A>G. VCF-style: chr6-45422693-A-G. GRCh37 (hg19) VCF-style: chr6-45390430-A-G.
Other names: c.159A>G (NM_001024630.3); c.159A>G, p.Gln53= (NM_001015051.4); c.117A>G, p.Gln39= (NM_001278478.2, NM_001369405.1, NM_004348.3).
Identifiers: ClinVar variation 2179319 (VCV002179319.6), dbSNP rs545654311, ClinGen allele CA3836276.